The following is an entry in ClinVar:

ClinVar aggregate classification (germline): Pathogenic. Review status: reviewed by expert panel (3 of 4 stars). 6 submissions from 6 submitters: Pathogenic (1). 5 of the submissions do not count toward it. Last evaluated 2025-09-29.

Conditions:
AIPL1-related retinopathy. Also called: AIPL1 retinopathy. Identifiers: MedGen CN305590, MONDO:0100438.
AIPL1-related disorder. Also called: AIPL1-related disorders; AIPL1-related condition. Identifiers: MedGen CN239169.
Leber congenital amaurosis 4 (LCA4). Identifiers: MedGen C1858386, MONDO:0011458, OMIM 604393.

Submissions (6):

ClinGen Leber Congenital Amaurosis/early Onset Retinal Dystrophy Variant Curation Expert Panel, ClinGen
Classification: Pathogenic for AIPL1-related retinopathy. Last evaluated: 2025-09-29. Review status: reviewed by expert panel. Criteria: ClinGen LCAeoRD ACMG Specifications AIPL1 V1.0.0. Collection method: curation. Allele origin: germline. Inheritance: Autosomal recessive inheritance.
Comment: NM_014336.5(AIPL1):c.1010_1011del (p.Glu337AlafsTer?) is a frameshift variant in exon 6 of 6 that is predicted not to trigger nonsense-mediated decay but rather to disrupt the protein product between amino acids 337 and 384, and to extend the C-terminus by 70 additional amino acids (PVS1). This variant is absent from gnomAD v4.1.0 (PM2_Supporting). This variant has been reported in at least 1 proband with early-onset severe retinal dystrophy who was homozygous for the variant (0.5 points, PMID: 37734845). This variant has also been reported in at least 1 proband with early-onset severe retinal dystrophy who was compound heterozygous with the NM_014336.5(AIPL1):c.834G>A (p.Trp278Ter) variant confirmed in trans (1 point, PMID: 10615133), which was previously classified pathogenic by the ClinGen LCA/eoRD VCEP (1.5 total points, PM3). At least one proband harboring this variant exhibits a phenotype including clinical diagnosis of Leber congenital amaurosis (0.5 pts), poor central vision (1 pt) from birth (1 pt), severe night blindness (0.5 pts), pendular nystagmus (1 pt), widespread retinal pigment epithelium changes in the fundus with severely attenuated retinal vessels (1 pt) and pigment clumping in the far periphery (0.5 pts), pronounced macular atrophy (0.5 pts), optic disc pallor (0.5 pts), and non-detectable electroretinogram responses from both rods (0.5 pts) and cones (1 pt), which together are specific for AIPL1-related retinopathy (total 8 points, PMID: 10615133, PP4). The variant has been reported to segregate with childhood-onset severe retinal dystrophy through the proband plus 1 similarly affected relative, with the variant present in the compound heterozygous state (PMID: 10615133, PP1). In summary, this variant meets the criteria to be classified as Pathogenic for AIPL1-related retinopathy based on the ACMG/AMP criteria applied, as specified by the ClinGen LCA/eoRD VCEP: PVS1, PM2_Supporting, PM3, PP1, and PP4. (VCEP specifications version 1.0.0; date of approval 09/24/2025).

Labcorp Genetics (formerly Invitae), Labcorp
Classification: Pathogenic for Leber congenital amaurosis 4. Last evaluated: 2025-07-24. Review status: criteria provided, single submitter. Criteria: Invitae Variant Classification Sherloc (09022015). Collection method: clinical testing. Allele origin: germline. Not counted in ClinVar's aggregate classification.
Comment: This sequence change is expected to alter the c-terminus of the AIPL1 protein (p.Glu337Alafs*70). While this is not anticipated to result in nonsense mediated decay, it is expected to disrupt the last 48 amino acid(s) of the AIPL1 protein and extend the protein by 21 additional amino acid residues. This variant is not present in population databases (gnomAD no frequency). This frameshift has been observed in individual(s) with Leber congenital amaurosis (PMID: 10615133; internal data). In at least one individual the data is consistent with being in trans (on the opposite chromosome) from a pathogenic variant. It has also been observed to segregate with disease in related individuals. This variant is also known as Ala336Δ2 bp. For these reasons, this variant has been classified as Pathogenic.

Blueprint Genetics
Classification: Likely pathogenic for AIPL1-related disorders. Last evaluated: 2024-05-22. Review status: criteria provided, single submitter. Criteria: ACMG Guidelines, 2015. Collection method: clinical testing. Allele origin: germline. Affected: yes. Observed: 1 variant allele. Not counted in ClinVar's aggregate classification.

Institute of Medical Genetics and Applied Genomics, University Hospital Tübingen
Classification: Likely pathogenic. Last evaluated: 2020-10-23. Review status: criteria provided, single submitter. Criteria: ACMG Guidelines, 2015. Collection method: clinical testing. Allele origin: germline. Inheritance: Autosomal recessive inheritance. Affected: yes. Not counted in ClinVar's aggregate classification.

OMIM
Classification: Pathogenic for LEBER CONGENITAL AMAUROSIS 4. Last evaluated: 2000-01-01. Review status: no assertion criteria provided. Collection method: literature only. Allele origin: germline. Not counted in ClinVar's aggregate classification.

Retina International
No classification provided. Review status: no classification provided. Collection method: not provided. Allele origin: unknown. Not counted in ClinVar's aggregate classification.

Literature cited by the submitters: PubMed 10615133 (cited by Labcorp Genetics (formerly Invitae), Labcorp and OMIM).

NM_014336.5(AIPL1):c.1010_1011del (p.Glu337fs)

Gene: AIPL1 (AIP like 1 HSP90 co-chaperone; minus strand). Cytogenetic location: 17p13.2.
Variant type: Microsatellite.
Coding change: c.1010_1011del on transcript NM_014336.5 (MANE Select); coding-DNA positions 1010 to 1011, 2 bases deleted (AG; older notation c.1010_1011delAG).
Protein change: p.Glu337fs; shifts the reading frame from glutamic acid 337.
Molecular consequence: frameshift variant. On other transcripts: 3 prime UTR variant (1).
Genome position (GRCh38, 1-based): chr17:6,425,604-6,425,605, CT deleted on the plus strand (AG on the coding strand, the reverse complement: AIPL1 is on the minus strand); deleting any 2 consecutive bases within chr17:6,425,604-6,425,607 gives the same sequence; the c. name uses the placement nearest the transcript's 3' end. VCF-style (leftmost placement, unchanged base first): chr17-6425603-GCT-G. GRCh37 (hg19) VCF-style: chr17-6328923-GCT-G.
Other names: NM_014336.5(AIPL1):c.1010_1011del; c.821_822del, p.Glu274fs (NM_001033054.3); c.830_831del, p.Glu277fs (NM_001033055.3); c.974_975del, p.Glu325fs (NM_001285399.3); c.944_945del, p.Glu315fs (NM_001285400.3); c.938_939del, p.Glu313fs (NM_001285401.3); c.893_894del, p.Glu298fs (NM_001285402.2); c.*979AG[1] (NM_001285403.4); short protein forms E274fs, E298fs, E313fs, E315fs, E325fs, E337fs, E277fs.
Identifiers: ClinVar variation 5566 (VCV000005566.10), dbSNP rs62637016, ClinGen allele CA227863.